The following is an entry in ClinVar:

ClinVar aggregate classification (germline): Likely benign. Review status: criteria provided, multiple submitters, no conflicts (2 of 4 stars). 5 submissions from 5 submitters: Likely benign (4). 1 of the submissions does not count toward it. Last evaluated 2026-01-21.

Conditions:
LYST-related disorder. Also called: LYST-related condition.
Chédiak-Higashi syndrome (CHS). Also called: Chediak-Higashi Syndrome. Identifiers: Orphanet 167, MedGen C0007965, MONDO:0008963, OMIM 214500.

Allele frequency attached by ClinVar (database versions not stated): gnomAD exomes 0.00007 and 0.00015; ExAC 0.00020; TOPMed 0.00060 and 0.00063; ESP Exome Variant Server 0.00062; gnomAD 0.00071 and 0.00102.
gnomAD v4.1: 217 of 1,602,166 alleles (0.014%); highest among the groups gnomAD compares: African/African-American, 0.27%; no homozygotes.

Submissions (5):

Labcorp Genetics (formerly Invitae), Labcorp
Classification: Likely benign for Chédiak-Higashi syndrome. Last evaluated: 2026-01-21. Review status: criteria provided, single submitter. Criteria: Invitae Variant Classification Sherloc (09022015). Collection method: clinical testing. Allele origin: germline.

Mayo Clinic Laboratories, Mayo Clinic
Classification: Likely benign. Last evaluated: 2025-06-30. Review status: criteria provided, single submitter. Criteria: ACMG Guidelines, 2015. Collection method: clinical testing. Allele origin: germline. Observed: 4 variant alleles.
Comment: BS1, BP4, BP7

Women's Health and Genetics/Laboratory Corporation of America, LabCorp
Classification: Likely benign. Last evaluated: 2024-11-18. Review status: criteria provided, single submitter. Criteria: LabCorp Variant Classification Summary - May 2015. Collection method: clinical testing. Allele origin: germline.

Blueprint Genetics
Classification: Likely benign. Last evaluated: 2023-06-30. Review status: criteria provided, single submitter. Criteria: ACMG Guidelines, 2015. Collection method: clinical testing. Allele origin: germline.

PreventionGenetics, part of Exact Sciences
Classification: Likely benign for LYST-related condition. Last evaluated: 2020-05-04. Review status: no assertion criteria provided. Collection method: clinical testing. Allele origin: germline. Not counted in ClinVar's aggregate classification.
Comment: This variant is classified as likely benign based on ACMG/AMP sequence variant interpretation guidelines (Richards et al. 2015 PMID: 25741868, with internal and published modifications).

NM_000081.4(LYST):c.11382C>T (p.Phe3794=)

Gene: LYST (lysosomal trafficking regulator; minus strand). Cytogenetic location: 1q42.3.
Variant type: single nucleotide variant.
Coding change: c.11382C>T on transcript NM_000081.4 (MANE Select); coding-DNA position 11382, C replaced by T.
Protein change: p.Phe3794=; no amino-acid change (phenylalanine 3794 retained).
Molecular consequence: synonymous variant.
Genome position (GRCh38, 1-based): chr1:235,662,964, G>A on the plus strand (C>T on the coding strand, the complement: LYST is on the minus strand). VCF-style: chr1-235662964-G-A. GRCh37 (hg19) VCF-style: chr1-235826264-G-A.
Other names: p.Phe3794=; c.11382C>T, p.Phe3794= (NM_001301365.1).
Identifiers: ClinVar variation 706164 (VCV000706164.13), dbSNP rs111770759, ClinGen allele CA1465141.